The following is an entry in ClinVar:

NM_001277115.2(DNAH11):c.8941-6C>G

Gene: DNAH11 (dynein axonemal heavy chain 11; plus strand). Cytogenetic location: 7p15.3.
Variant type: single nucleotide variant.
Coding change: c.8941-6C>G on transcript NM_001277115.2 (MANE Select); 6 bases into the intron before coding-DNA position 8941, C replaced by G.
Molecular consequence: intron variant.
Genome position (GRCh38, 1-based): chr7:21,765,422, C>G. VCF-style: chr7-21765422-C-G. GRCh37 (hg19) VCF-style: chr7-21805040-C-G.
Identifiers: ClinVar variation 4881288 (VCV004881288.2).

ClinVar aggregate classification (germline): Uncertain significance (1 of 4 stars; one submission).

gnomAD v4.1: 1 of 1,613,696 alleles (0.000062%); highest among the groups gnomAD compares: Admixed American, 0.0017%; no homozygotes.

Submission:

Dasa
Classification: Uncertain significance. Last evaluated: 2026-03-25. Review status: criteria provided, single submitter. Criteria: DASA Assertion Criteria. Collection method: clinical testing. Allele origin: germline.
Comment: NM_001277115.2(DNAH11):c.8941-6C>G is a splice-region variant. This variant is rare in population databases. Computational prediction algorithms are consistent with a deleterious effect. The currently available literature and clinical evidence are not sufficient to establish a definitive association between this variant and the reported condition. Therefore, this variant is classified as a variant of uncertain significance.